The following is an entry in ClinVar:

ClinVar aggregate classification (germline): Uncertain significance (1 of 4 stars; one submission).

Conditions:
46 XY differences of sex development. Also called: 46, XY disorder of sex development (DSD); 46,XY disorder of sex development. Identifiers: Orphanet 98085, MedGen C2751824, MONDO:0020040.
Oligosynaptic infertility (SPGF1). Also called: SPERMATOGENIC FAILURE 1; OLIGOCHIASMATIC INFERTILITY. Identifiers: MedGen C0403810, MONDO:0009776, OMIM 258150.

Submission:

Labcorp Genetics (formerly Invitae), Labcorp
Classification: Uncertain significance for 46 XY differences of sex development; Oligosynaptic infertility. Last evaluated: 2025-10-13. Review status: criteria provided, single submitter. Criteria: Invitae Variant Classification Sherloc (09022015). Collection method: clinical testing. Allele origin: germline.
Comment: This sequence change replaces alanine, which is neutral and non-polar, with threonine, which is neutral and polar, at codon 399 of the NR5A1 protein (p.Ala399Thr). This variant is present in population databases (no rsID available, gnomAD 0.007%). This variant has not been reported in the literature in individuals affected with NR5A1-related conditions. Invitae Evidence Modeling of protein sequence and biophysical properties (such as structural, functional, and spatial information, amino acid conservation, physicochemical variation, residue mobility, and thermodynamic stability) indicates that this missense variant is not expected to disrupt NR5A1 protein function with a negative predictive value of 95%. In summary, the available evidence is currently insufficient to determine the role of this variant in disease. Therefore, it has been classified as a Variant of Uncertain Significance.

NM_004959.5(NR5A1):c.1195G>A (p.Ala399Thr)

Gene: NR5A1 (nuclear receptor subfamily 5 group A member 1; minus strand). Cytogenetic location: 9q33.3.
Variant type: single nucleotide variant.
Coding change: c.1195G>A on transcript NM_004959.5 (MANE Select); coding-DNA position 1195, G replaced by A.
Protein change: p.Ala399Thr; replaces alanine 399 with threonine.
Molecular consequence: missense variant.
Genome position (GRCh38, 1-based): chr9:124,482,949, C>T on the plus strand (G>A on the coding strand, the complement: NR5A1 is on the minus strand). VCF-style: chr9-124482949-C-T. GRCh37 (hg19) VCF-style: chr9-127245228-C-T.
Other names: short protein forms A399T.
Identifiers: ClinVar variation 4791680 (VCV004791680.1).